The following is an entry in ClinVar:

ClinVar aggregate classification (germline): Pathogenic (1 of 4 stars; one submission).

Conditions:
Autosomal recessive polycystic kidney disease (ARPKD). Also called: AR polycystic kidney disease. Identifiers: Orphanet 731, Orphanet 8378, MedGen C0085548, MeSH D017044, MONDO:0009889.

Submission:

Labcorp Genetics (formerly Invitae), Labcorp
Classification: Pathogenic for Autosomal recessive polycystic kidney disease. Last evaluated: 2026-01-14. Review status: criteria provided, single submitter. Criteria: Invitae Variant Classification Sherloc (09022015). Collection method: clinical testing. Allele origin: germline.
Comment: This sequence change creates a premature translational stop signal (p.Trp424*) in the PKHD1 gene. It is expected to result in an absent or disrupted protein product. Loss-of-function variants in PKHD1 are known to be pathogenic (PMID: 19940839). This variant is not present in population databases (gnomAD no frequency). This variant has not been reported in the literature in individuals affected with PKHD1-related conditions. For these reasons, this variant has been classified as Pathogenic.

Literature cited by the submitters: PubMed 19940839.

NM_138694.4(PKHD1):c.1271G>A (p.Trp424Ter)

Gene: PKHD1 (PKHD1 ciliary IPT domain containing fibrocystin/polyductin; minus strand). Cytogenetic location: 6p12.2.
Variant type: single nucleotide variant.
Coding change: c.1271G>A on transcript NM_138694.4 (MANE Select); coding-DNA position 1271, G replaced by A.
Protein change: p.Trp424Ter; replaces tryptophan 424 with a stop codon.
Molecular consequence: nonsense.
Genome position (GRCh38, 1-based): chr6:52,058,564, C>T on the plus strand (G>A on the coding strand, the complement: PKHD1 is on the minus strand). VCF-style: chr6-52058564-C-T. GRCh37 (hg19) VCF-style: chr6-51923362-C-T.
Other names: c.1271G>A, p.Trp424Ter (NM_170724.3); short protein forms W424*.
Identifiers: ClinVar variation 4811661 (VCV004811661.1).
Genomic context (GRCh38, chr6:52,058,564, plus strand): 5'-AACTTGGGAGTCTTCTGCTGCCAGGTCCCTTCATCCCTATTCTGCTCCCAGGAGTCAAAC[C>T]AGTCAGCAGTGCCGACGCTGATGGAGGCCACTTTCACCTATGCCCAAATAAGCATATCAT-3'